The following is an entry in ClinVar:

ClinVar aggregate classification (germline): Uncertain significance (1 of 4 stars; one submission).

Conditions:
Diamond-Blackfan anemia. Also called: Blackfan Diamond syndrome; Aregenerative anemia chronic congenital; Red cell aplasia, pure hereditary; Congenital hypoplastic anemia; Aase syndrome. Identifiers: Orphanet 124, MedGen C1260899, MeSH D029503, MONDO:0015253, HP:0004810.

Submission:

Ambry Genetics
Classification: Uncertain significance for Diamond-Blackfan anemia. Last evaluated: 2016-02-08. Review status: criteria provided, single submitter. Criteria: Ambry Variant Classification Scheme 2023. Collection method: clinical testing. Allele origin: germline.
Comment: The p.L133S variant (also known as c.398T>C), located in coding exon 5 of the RPS7 gene, results from a T to C substitution at nucleotide position 398. The leucine at codon 133 is replaced by serine, an amino acid with dissimilar properties. A patient with a clinical diagnosis of Diamond-Blackfan anemia was reportedly found to be heterozygous for this variant (Ghemlas I, J. Med. Genet. 2015 Sep; 52(9):575-84). This variant was not reported in population based cohorts in the following databases: Database of Single Nucleotide Polymorphisms (dbSNP), NHLBI Exome Sequencing Project (ESP), and 1000 Genomes Project. In the ESP, this variant was not observed in 6501 samples (13002 alleles) with coverage at this position. This amino acid position is highly conserved in available vertebrate species. In addition, this alteration is predicted to be deleterious by in silico analysis. Since supporting evidence is limited at this time, the clinical significance of this variant remains unclear.

Literature cited by the submitters: PubMed 26136524.

NM_001011.4(RPS7):c.398T>C (p.Leu133Ser)

Gene: RPS7 (ribosomal protein S7; plus strand). Cytogenetic location: 2p25.3.
Variant type: single nucleotide variant.
Coding change: c.398T>C on transcript NM_001011.4 (MANE Select); coding-DNA position 398, T replaced by C.
Protein change: p.Leu133Ser; replaces leucine 133 with serine.
Molecular consequence: missense variant.
Genome position (GRCh38, 1-based): chr2:3,580,151, T>C. VCF-style: chr2-3580151-T-C. GRCh37 (hg19) VCF-style: chr2-3627741-T-C.
Other names: short protein forms L133S.
Identifiers: ClinVar variation 1736766 (VCV001736766.2), dbSNP rs2528184339, ClinGen allele CA345743415.